The following is an entry in ClinVar:

NM_000541.5(SAG):c.53AGA[1] (p.Lys19del)

Gene: SAG (S-antigen visual arrestin; plus strand). Cytogenetic location: 2q37.1.
Variant type: Microsatellite.
Coding change: c.53AGA[1] on transcript NM_000541.5 (MANE Select); one copy of the 3-base unit AGA starting at c.53; the reference has two copies in a row; one copy, 3 bases deleted.
Protein change: p.Lys19del; deletes lysine 19.
Molecular consequence: inframe deletion.
Genome position (GRCh38, 1-based): chr2:233,309,245-233,309,247, AGA deleted; deleting any 3 consecutive bases within chr2:233,309,241-233,309,247 gives the same sequence; the position shown is the placement nearest the transcript's 3' end. VCF-style (leftmost placement, unchanged base first): chr2-233309240-CAAG-C. GRCh37 (hg19) VCF-style: chr2-234217886-CAAG-C.
Other names: short protein forms K19del.
Identifiers: ClinVar variation 3609927 (VCV003609927.2).

ClinVar aggregate classification (germline): Uncertain significance (1 of 4 stars; one submission).

Submission:

Labcorp Genetics (formerly Invitae), Labcorp
Classification: Uncertain significance. Last evaluated: 2024-08-05. Review status: criteria provided, single submitter. Criteria: Invitae Variant Classification Sherloc (09022015). Collection method: clinical testing. Allele origin: germline.
Comment: This variant, c.56_58del, results in the deletion of 1 amino acid(s) of the SAG protein (p.Lys19del), but otherwise preserves the integrity of the reading frame. This variant is present in population databases (rs745383158, gnomAD 0.008%). This variant has not been reported in the literature in individuals affected with SAG-related conditions. Experimental studies and prediction algorithms are not available or were not evaluated, and the functional significance of this variant is currently unknown. In summary, the available evidence is currently insufficient to determine the role of this variant in disease. Therefore, it has been classified as a Variant of Uncertain Significance.